The following is an entry in ClinVar:

NM_015259.6(ICOSLG):c.863-2A>G

Gene: ICOSLG (inducible T cell costimulator ligand; minus strand). Cytogenetic location: 21q22.3.
Variant type: single nucleotide variant.
Coding change: c.863-2A>G on transcript NM_015259.6 (MANE Select); the canonical splice acceptor site of the intron before coding-DNA position 863, A replaced by G.
Molecular consequence: splice acceptor variant.
Genome position (GRCh38, 1-based): chr21:44,230,091, T>C on the plus strand (A>G on the coding strand, the complement: ICOSLG is on the minus strand). VCF-style: chr21-44230091-T-C. GRCh37 (hg19) VCF-style: chr21-45649974-T-C.
Other names: c.512-2A>G (NM_001283051.2); c.608-2A>G (NM_001283052.2); c.863-2A>G (NM_001283050.2, NM_001395918.1); c.782-2A>G (NM_001365759.2).
Identifiers: ClinVar variation 1447404 (VCV001447404.7), dbSNP rs191360035, ClinGen allele CA321495331.

ClinVar aggregate classification (germline): Uncertain significance (1 of 4 stars; one submission).

Allele frequency attached by ClinVar (database versions not stated): gnomAD exomes 0.00005; ExAC 0.00007; 1000 Genomes Project 0.00120.

Submissions (2):

Labcorp Genetics (formerly Invitae), Labcorp
Classification: Uncertain significance. Last evaluated: 2025-08-13. Review status: criteria provided, single submitter. Criteria: Invitae Variant Classification Sherloc (09022015). Collection method: clinical testing. Allele origin: germline.
Comment: This sequence change affects an acceptor splice site in intron 5 of the ICOSLG gene. It is expected to disrupt RNA splicing. Variants that disrupt the donor or acceptor splice site typically lead to a loss of protein function (PMID: 16199547), however the current clinical and genetic evidence is not sufficient to establish whether loss-of-function variants in ICOSLG cause disease. This variant is present in population databases (rs191360035, gnomAD 0.06%). This variant has not been reported in the literature in individuals affected with ICOSLG-related conditions. ClinVar contains an entry for this variant (Variation ID: 1447404). Algorithms developed to predict the effect of sequence changes on RNA splicing suggest that this variant may disrupt the consensus splice site. In summary, the available evidence is currently insufficient to determine the role of this variant in disease. Therefore, it has been classified as a Variant of Uncertain Significance.

Dr. Peter K. Rogan Lab, Western University
No classification provided (evidence only). Condition: Hepatocellular carcinoma. Review status: no classification provided. Collection method: in vitro. Allele origin: not applicable. Functional consequence: skipped exon, retained intron. Not counted in ClinVar's aggregate classification.

Literature cited by the submitters: PubMed 16199547 (cited by Labcorp Genetics (formerly Invitae), Labcorp).